The following is an entry in ClinVar:

ClinVar aggregate classification (germline): Pathogenic/Likely pathogenic. Review status: criteria provided, multiple submitters, no conflicts (2 of 4 stars). 2 submissions from 2 submitters: Pathogenic (1); Likely pathogenic (1). Last evaluated 2022-02-19.

Conditions:
COG7 congenital disorder of glycosylation (CDG2E). Also called: CONGENITAL DISORDER OF GLYCOSYLATION, TYPE IIe; CDG IIe. Identifiers: Orphanet 79333, MedGen C2931010, MONDO:0012118, OMIM 608779.

Allele frequency attached by ClinVar (database versions not stated): gnomAD 0.00001; gnomAD exomes 0.00010; ExAC 0.00012.
gnomAD v4.1: 68 of 1,614,018 alleles (0.0042%); highest among the groups gnomAD compares: South Asian, 0.072%; 1 homozygote.

Submissions (2):

Genetics and Genomic Medicine Centre, NeuroGen Healthcare, NeuroGen Healthcare
Classification: Pathogenic for COG7 congenital disorder of glycosylation. Last evaluated: 2022-02-19. Review status: criteria provided, single submitter. Criteria: Submitter's publication. Collection method: clinical testing. Allele origin: unknown. Affected: no.

Research Laboratories, P. D. Hinduja Hospital & MRC
Classification: Likely pathogenic for COG7 congenital disorder of glycosylation. Review status: criteria provided, single submitter. Criteria: ACMG Guidelines, 2015. Collection method: clinical testing. Allele origin: inherited. Inheritance: Autosomal recessive inheritance. Affected: yes. Observed: 1 variant allele, 1 homozygote.

NM_153603.4(COG7):c.1817C>A (p.Ala606Asp)

Gene: COG7 (component of oligomeric golgi complex 7; minus strand). Cytogenetic location: 16p12.2.
Variant type: single nucleotide variant.
Coding change: c.1817C>A on transcript NM_153603.4 (MANE Select); coding-DNA position 1817, C replaced by A.
Protein change: p.Ala606Asp; replaces alanine 606 with aspartic acid.
Molecular consequence: missense variant.
Genome position (GRCh38, 1-based): chr16:23,398,116, G>T on the plus strand (C>A on the coding strand, the complement: COG7 is on the minus strand). VCF-style: chr16-23398116-G-T. GRCh37 (hg19) VCF-style: chr16-23409437-G-T.
Other names: short protein forms A606D.
Identifiers: ClinVar variation 1184979 (VCV001184979.3), dbSNP rs768615420, ClinGen allele CA7960863.
Genomic context (GRCh38, chr16:23,398,116, plus strand): 5'-TACTCGAGAGGGGTGAGACTAAAGGCGGGCAGTTCATCTGTGAGGGTTTCTCCGATGCCA[G>T]CCGTATTCCAGCTCTAAGGGTGGAACGAGAGGACACAATCAGTACCTAGCAGCCAGGCAG-3'
Protein context (NP_705831.1, residues 596-616): LISKMDSWNT[Ala606Asp]GIGETLTDEL